The following is an entry in ClinVar:

ClinVar aggregate classification (germline): Pathogenic/Likely pathogenic. Review status: criteria provided, multiple submitters, no conflicts (2 of 4 stars). 2 submissions from 2 submitters: Pathogenic (1); Likely pathogenic (1). Last evaluated 2024-01-04.

Conditions:
Muscular dystrophy-dystroglycanopathy (congenital with brain and eye anomalies), type A3. Also called: Muscular dystrophy-dystroglycanopathy (congenital with brain and eye anomalies), type A, 3; WALKER-WARBURG SYNDROME OR MUSCLE-EYE-BRAIN DISEASE, POMGNT1-RELATED; Congenital muscular dystrophy-dystroglycanopathy with brain and eye anomalies, type A3. Identifiers: MedGen C3151519, MONDO:0009667, OMIM 253280.
Autosomal recessive limb-girdle muscular dystrophy type 2O. Also called: Limb-Girdle Muscular Dystrophy Type 3C; MUSCULAR DYSTROPHY-DYSTROGLYCANOPATHY (LIMB-GIRDLE), TYPE C, 3; MUSCULAR DYSTROPHY-DYSTROGLYCANOPATHY, LIMB-GIRDLE, POMGNT1-RELATED. Identifiers: Orphanet 206564, MedGen C3150417, MONDO:0013161, OMIM 613157.
Muscular dystrophy-dystroglycanopathy (congenital with impaired intellectual development), type B, 3. Also called: MUSCULAR DYSTROPHY, CONGENITAL, POMGNT1-RELATED; Muscular dystrophy-dystroglycanopathy (congenital with intellectual disability), type B3. Identifiers: MedGen C3150412, MONDO:0013155, OMIM 613151.

Submissions (2):

Baylor Genetics
Classification: Likely pathogenic for Muscular dystrophy-dystroglycanopathy (congenital with brain and eye anomalies), type A3. Last evaluated: 2024-01-04. Review status: criteria provided, single submitter. Criteria: ACMG Guidelines, 2015. Collection method: clinical testing. Allele origin: unknown.

Labcorp Genetics (formerly Invitae), Labcorp
Classification: Pathogenic for Autosomal recessive limb-girdle muscular dystrophy type 2O; Muscular dystrophy-dystroglycanopathy (congenital with impaired intellectual development), type B, 3. Last evaluated: 2023-06-14. Review status: criteria provided, single submitter. Criteria: Invitae Variant Classification Sherloc (09022015). Collection method: clinical testing. Allele origin: germline.
Comment: This sequence change creates a premature translational stop signal (p.Trp612*) in the POMGNT1 gene. It is expected to result in an absent or disrupted protein product. Loss-of-function variants in POMGNT1 are known to be pathogenic (PMID: 19299310, 20816175, 21447391, 26908613, 27391550). This variant is not present in population databases (gnomAD no frequency). For these reasons, this variant has been classified as Pathogenic. This variant has not been reported in the literature in individuals affected with POMGNT1-related conditions.

Literature cited by the submitters: PubMed 19299310 (cited by Labcorp Genetics (formerly Invitae), Labcorp); PubMed 20816175 (cited by Labcorp Genetics (formerly Invitae), Labcorp); PubMed 21447391 (cited by Labcorp Genetics (formerly Invitae), Labcorp); PubMed 26908613 (cited by Labcorp Genetics (formerly Invitae), Labcorp); PubMed 27391550 (cited by Labcorp Genetics (formerly Invitae), Labcorp).

NM_017739.4(POMGNT1):c.1835G>A (p.Trp612Ter)

Genes: POMGNT1 (protein O-linked mannose N-acetylglucosaminyltransferase 1 (beta 1,2-); minus strand), TSPAN1 (tetraspanin 1; plus strand). Cytogenetic location: 1p34.1.
Variant type: single nucleotide variant.
Coding change: c.1835G>A on transcript NM_017739.4 (MANE Select); coding-DNA position 1835, G replaced by A.
Protein change: p.Trp612Ter; replaces tryptophan 612 with a stop codon.
Molecular consequence: nonsense.
Genome position (GRCh38, 1-based): chr1:46,189,518, C>T on the plus strand (G>A on the coding strand, the complement: POMGNT1 is on the minus strand). VCF-style: chr1-46189518-C-T. GRCh37 (hg19) VCF-style: chr1-46655190-C-T.
Other names: c.1835G>A, p.Trp612Ter (NM_001243766.2, NM_001410783.1); c.1769G>A, p.Trp590Ter (NM_001290129.3); c.1406G>A, p.Trp469Ter (NM_001290130.2); short protein forms W469*, W590*, W612*.
Identifiers: ClinVar variation 2939228 (VCV002939228.4), dbSNP rs2525336107, ClinGen allele CA340170943.